The following is an entry in ClinVar:

NM_004725.4(BUB3):c.772G>T (p.Val258Leu)

Gene: BUB3 (BUB3 mitotic checkpoint protein; plus strand). Cytogenetic location: 10q26.13.
Variant type: single nucleotide variant.
Coding change: c.772G>T on transcript NM_004725.4 (MANE Select); coding-DNA position 772, G replaced by T.
Protein change: p.Val258Leu; replaces valine 258 with leucine.
Molecular consequence: missense variant.
Genome position (GRCh38, 1-based): chr10:123,162,629, G>T. VCF-style: chr10-123162629-G-T. GRCh37 (hg19) VCF-style: chr10-124922145-G-T.
Other names: c.772G>T, p.Val258Leu (NM_001007793.3); short protein forms V258L.
Identifiers: ClinVar variation 1760356 (VCV001760356.2), dbSNP rs1564784063, ClinGen allele CA378626879.
Genomic context (GRCh38, chr10:123,162,629, plus strand): 5'-CTGGTGTTAAGAACCATTTTAACTGTTTTGAAATTACTTCCAGGTGGTTCTGATGGCTTT[G>T]TAAATATTTGGGATCCATTTAACAAAAAGCGACTGTGCCAATTCCATCGGTACCCCACGA-3'
Protein context (NP_004716.1, residues 248-268): TFATGGSDGF[Val258Leu]NIWDPFNKKR

ClinVar aggregate classification (germline): Uncertain significance (1 of 4 stars; one submission).

Submission:

Ambry Genetics
Classification: Uncertain significance. Last evaluated: 2021-12-03. Review status: criteria provided, single submitter. Criteria: Ambry Variant Classification Scheme 2023. Collection method: clinical testing. Allele origin: germline.
Comment: The p.V258L variant (also known as c.772G>T), located in coding exon 6 of the BUB3 gene, results from a G to T substitution at nucleotide position 772. The valine at codon 258 is replaced by leucine, an amino acid with highly similar properties. This amino acid position is conserved. In addition, the in silico prediction for this alteration is inconclusive. Since supporting evidence is limited at this time, the clinical significance of this alteration remains unclear.